The following is an entry in ClinVar:

ClinVar aggregate classification (germline): Likely benign (1 of 4 stars; one submission).

Submission:

CeGaT Center for Human Genetics Tuebingen
Classification: Likely benign. Last evaluated: 2026-05-01. Review status: criteria provided, single submitter. Criteria: CeGaT Center For Human Genetics Tuebingen Variant Classification Criteria Version 2. Collection method: clinical testing. Allele origin: germline. Affected: yes. Observed: 1 variant allele.
Comment: B3GNT2: BP4, BP7

NM_006577.6(B3GNT2):c.1074C>A (p.Ile358=)

Gene: B3GNT2 (UDP-GlcNAc:betaGal beta-1,3-N-acetylglucosaminyltransferase 2; plus strand). Cytogenetic location: 2p15.
Variant type: single nucleotide variant.
Coding change: c.1074C>A on transcript NM_006577.6 (MANE Select); coding-DNA position 1074, C replaced by A.
Protein change: p.Ile358=; no amino-acid change (isoleucine 358 retained).
Molecular consequence: synonymous variant.
Genome position (GRCh38, 1-based): chr2:62,223,294, C>A. VCF-style: chr2-62223294-C-A. GRCh37 (hg19) VCF-style: chr2-62450429-C-A.
Other names: c.1074C>A, p.Ile358= (NM_001319075.2).
Identifiers: ClinVar variation 4873132 (VCV004873132.2).